The following is an entry in ClinVar:

ClinVar aggregate classification (germline): Pathogenic/Likely pathogenic. Review status: criteria provided, multiple submitters, no conflicts (2 of 4 stars). 4 submissions from 4 submitters: Pathogenic (1); Likely pathogenic (3). Last evaluated 2025-02-17.

Conditions:
Cerebral cavernous malformation (CCM). Also called: CAVERNOUS ANGIOMA, FAMILIAL; CAVERNOUS ANGIOMATOUS MALFORMATIONS; CEREBRAL CAPILLARY MALFORMATIONS; Cerebral cavernous malformations; Cavernous Hemangioma of Brain; Cerebral cavernous hemangioma (type). Identifiers: Orphanet 221061, MedGen C2919945, MONDO:0000820, OMIM 116860, HP:0033522.

Submissions (4):

Labcorp Genetics (formerly Invitae), Labcorp
Classification: Pathogenic for Cerebral cavernous malformation. Last evaluated: 2025-02-17. Review status: criteria provided, single submitter. Criteria: Invitae Variant Classification Sherloc (09022015). Collection method: clinical testing. Allele origin: germline.
Comment: This sequence change falls in intron 16 of the KRIT1 gene. It does not directly change the encoded amino acid sequence of the KRIT1 protein. It affects a nucleotide within the consensus splice site. This variant is not present in population databases (gnomAD no frequency). This variant has been observed in individual(s) with cerebral cavernous malformations (internal data). It has also been observed to segregate with disease in related individuals. ClinVar contains an entry for this variant (Variation ID: 572103). Variants that disrupt the consensus splice site are a relatively common cause of aberrant splicing (PMID: 17576681, 9536098). Algorithms developed to predict the effect of sequence changes on RNA splicing suggest that this variant may disrupt the consensus splice site. For these reasons, this variant has been classified as Pathogenic.

GeneDx
Classification: Likely pathogenic. Last evaluated: 2024-05-29. Review status: criteria provided, single submitter. Criteria: GeneDx Variant Classification Process June 2021. Collection method: clinical testing. Allele origin: germline. Affected: yes.
Comment: Not observed at significant frequency in large population cohorts (gnomAD); In silico analysis supports a deleterious effect on splicing; Has not been previously published as pathogenic or benign to our knowledge

Baylor Genetics
Classification: Likely pathogenic for Cerebral cavernous malformation. Last evaluated: 2022-06-30. Review status: criteria provided, single submitter. Criteria: ACMG Guidelines, 2015. Collection method: clinical testing. Allele origin: unknown.

PreventionGenetics, part of Exact Sciences
Classification: Likely pathogenic. Last evaluated: 2016-06-14. Review status: criteria provided, single submitter. Criteria: ACMG Guidelines, 2015. Collection method: clinical testing. Allele origin: germline.

Literature cited by the submitters: PubMed 17576681 (cited by Labcorp Genetics (formerly Invitae), Labcorp); PubMed 9536098 (cited by Labcorp Genetics (formerly Invitae), Labcorp).

NM_194454.3(KRIT1):c.1730+3A>C

Gene: KRIT1 (KRIT1 ankyrin repeat containing; minus strand). Cytogenetic location: 7q21.2.
Variant type: single nucleotide variant.
Coding change: c.1730+3A>C on transcript NM_194454.3 (MANE Select); 3 bases into the intron after coding-DNA position 1730, A replaced by C.
Molecular consequence: intron variant.
Genome position (GRCh38, 1-based): chr7:92,214,608, T>G on the plus strand (A>C on the coding strand, the complement: KRIT1 is on the minus strand). VCF-style: chr7-92214608-T-G. GRCh37 (hg19) VCF-style: chr7-91843922-T-G.
Other names: c.1730+3A>C (NM_001350672.1, NM_001350676.1, NM_001350673.1 and 26 more transcripts); c.1586+3A>C (NM_001350669.1, NM_001013406.2, NM_001350670.1); c.1016+3A>C (NM_001350671.1).
Identifiers: ClinVar variation 572103 (VCV000572103.16), dbSNP rs1563244629, ClinGen allele CA891843212.
Genomic context (GRCh38, chr7:92,214,608, plus strand): 5'-ACTTTCTTGGTTAAACAGAATCTTAAGCATAGCACAAGACCATGCATAATATTAAATACT[T>G]ACTTTAGGAAACCTTGCTTGTGTTTTTTACTCTCATAATTTCCATAGACTATTTGCAAAA-3'